The following is an entry in ClinVar:

NM_000059.4(BRCA2):c.10053T>A (p.Ala3351=)

Gene: BRCA2 (BRCA2 DNA repair associated; plus strand). Cytogenetic location: 13q13.1.
Variant type: single nucleotide variant.
Coding change: c.10053T>A on transcript NM_000059.4 (MANE Select); coding-DNA position 10053, T replaced by A.
Protein change: p.Ala3351=; no amino-acid change (alanine 3351 retained).
Molecular consequence: synonymous variant.
Genome position (GRCh38, 1-based): chr13:32,398,566, T>A. VCF-style: chr13-32398566-T-A. GRCh37 (hg19) VCF-style: chr13-32972703-T-A.
Identifiers: ClinVar variation 232438 (VCV000232438.16), dbSNP rs754254199, ClinGen allele CA10579856.

ClinVar aggregate classification (germline): Likely benign. Review status: reviewed by expert panel (3 of 4 stars). 3 submissions from 3 submitters: Likely benign (1). 2 of the submissions do not count toward it. Last evaluated 2017-06-29.

Conditions:
Hereditary cancer-predisposing syndrome. Also called: Hereditary Cancer Syndrome; Neoplastic Syndromes, Hereditary; Tumor predisposition; Hereditary neoplastic syndrome. Identifiers: Orphanet 140162, MedGen C0027672, MeSH D009386, MONDO:0015356.
Breast-ovarian cancer, familial, susceptibility to, 2 (BROVCA2). Also called: BRCA2 Hereditary Breast and Ovarian Cancer. Identifiers: Orphanet 145, MedGen C2675520, MONDO:0012933, OMIM 612555. Disease mechanism: loss of function.
Hereditary breast ovarian cancer syndrome. Also called: Hereditary breast and/or ovarian cancer syndrome; BRCA1- and BRCA2-Associated Hereditary Breast and Ovarian Cancer; Hereditary breast and ovarian cancer syndrome (HBOC); Hereditary breast and ovarian cancer; Hereditary breast and ovarian cancer syndrome; Breast and ovarian cancer. Identifiers: Orphanet 145, MedGen C0677776, MeSH D061325, MONDO:0003582. Disease mechanism: loss of function.

Allele frequency attached by ClinVar (database versions not stated): gnomAD 0.00001.
gnomAD v4.1: 2 of 1,614,056 alleles (0.00012%); highest among the groups gnomAD compares: African/African-American, 0.0013%; no homozygotes.

Submissions (3):

Evidence-based Network for the Interpretation of Germline Mutant Alleles (ENIGMA)
Classification: Likely benign for Breast-ovarian cancer, familial, susceptibility to, 2. Last evaluated: 2017-06-29. Review status: reviewed by expert panel. Criteria: ENIGMA BRCA1/2 Classification Criteria (2017-06-29). Collection method: curation. Allele origin: germline.
Comment: Synonymous substitution variant, with low bioinformatic likelihood to result in a splicing aberration (Splicing prior probability 0.02).

Labcorp Genetics (formerly Invitae), Labcorp
Classification: Likely benign for Hereditary breast ovarian cancer syndrome. Last evaluated: 2025-12-08. Review status: criteria provided, single submitter. Criteria: Invitae Variant Classification Sherloc (09022015). Collection method: clinical testing. Allele origin: germline. Not counted in ClinVar's aggregate classification.

Ambry Genetics
Classification: Likely benign for Hereditary cancer-predisposing syndrome. Last evaluated: 2016-05-05. Review status: criteria provided, single submitter. Criteria: Ambry Variant Classification Scheme 2023. Collection method: clinical testing. Allele origin: germline. Not counted in ClinVar's aggregate classification.